The following is an entry in ClinVar:

ClinVar aggregate classification (germline): Uncertain significance (1 of 4 stars; one submission).

Allele frequency attached by ClinVar (database versions not stated): gnomAD 0.00001; ExAC 0.00002; TOPMed 0.00002.
gnomAD v4.1: 22 of 1,613,820 alleles (0.0014%); highest among the groups gnomAD compares: African/African-American, 0.0027%; no homozygotes.

Submission:

Labcorp Genetics (formerly Invitae), Labcorp
Classification: Uncertain significance. Last evaluated: 2022-03-23. Review status: criteria provided, single submitter. Criteria: Invitae Variant Classification Sherloc (09022015). Collection method: clinical testing. Allele origin: germline.
Comment: This variant has not been reported in the literature in individuals affected with FUK-related conditions. In summary, the available evidence is currently insufficient to determine the role of this variant in disease. Therefore, it has been classified as a Variant of Uncertain Significance. Algorithms developed to predict the effect of missense changes on protein structure and function are either unavailable or do not agree on the potential impact of this missense change (SIFT: "Deleterious"; PolyPhen-2: "Possibly Damaging"; Align-GVGD: "Class C15"). This variant is present in population databases (rs770851514, gnomAD 0.003%). This sequence change replaces arginine, which is basic and polar, with cysteine, which is neutral and slightly polar, at codon 1007 of the FUK protein (p.Arg1007Cys).

NM_145059.3(FCSK):c.3019C>T (p.Arg1007Cys)

Gene: FCSK (fucose kinase; plus strand). Cytogenetic location: 16q22.1.
Variant type: single nucleotide variant.
Coding change: c.3019C>T on transcript NM_145059.3 (MANE Select); coding-DNA position 3019, C replaced by T.
Protein change: p.Arg1007Cys; replaces arginine 1007 with cysteine.
Molecular consequence: missense variant.
Genome position (GRCh38, 1-based): chr16:70,479,269, C>T. VCF-style: chr16-70479269-C-T. GRCh37 (hg19) VCF-style: chr16-70513172-C-T.
Other names: short protein forms R1007C.
Identifiers: ClinVar variation 1915636 (VCV001915636.5), dbSNP rs770851514, ClinGen allele CA8143846.
Genomic context (GRCh38, chr16:70,479,269, plus strand): 5'-ACCTCGTACTGGGAGCAGAAGAAGCTCATGGCTCCAGGCTGTGAGCCCCTGACTGTGCGG[C>T]GTATGATGGATGTCCTGGCCCCCCACGTGCATGGCCAGAGCCTGGCTGGGGCAGGCGGTG-3'
Protein context (NP_659496.2, residues 997-1017): APGCEPLTVR[Arg1007Cys]MMDVLAPHVH